The following is an entry in ClinVar:

ClinVar aggregate classification (germline): Pathogenic (1 of 4 stars; one submission).

Conditions:
Autosomal recessive osteopetrosis 1. Also called: ALBERS-SCHONBERG DISEASE, AUTOSOMAL RECESSIVE; TCIRG1-Related Autosomal Recessive Osteopetrosis; TCIRG1-Related Osteopetrosis. Identifiers: Orphanet 667, MedGen C1850127, MONDO:0009815, OMIM 259700.

Submission:

Myriad Genetics, Inc.
Classification: Pathogenic for Autosomal recessive osteopetrosis 1. Last evaluated: 2023-09-27. Review status: criteria provided, single submitter. Criteria: Myriad Autosomal Dominant, Autosomal Recessive and X-Linked Classification Criteria (2023). Collection method: clinical testing. Allele origin: unknown.
Comment: NM_006019.3(TCIRG1):c.1286dupT(K430Efs*60) is expected to be pathogenic in the context of autosomal recessive osteopetrosis type 1. This variant is predicted to lead to an abnormal or absent protein product due to the creation of a premature termination codon in TCIRG1, a gene where loss-of-function variants are known to be pathogenic. Please note: this variant was assessed in the context of healthy population screening.

NM_006019.4(TCIRG1):c.1286dup (p.Lys430fs)

Gene: TCIRG1 (T cell immune regulator 1, ATPase H+ transporting V0 subunit a3; plus strand). Cytogenetic location: 11q13.2.
Variant type: Duplication.
Coding change: c.1286dup on transcript NM_006019.4 (MANE Select); coding-DNA position 1286, one base duplicated (T; older notation c.1286dupT).
Protein change: p.Lys430fs; shifts the reading frame from lysine 430.
Molecular consequence: frameshift variant. On other transcripts: intron variant (1).
Genome position (GRCh38, 1-based): chr11:68,047,553, T duplicated. VCF-style (leftmost placement, unchanged base first): chr11-68047552-G-GT. GRCh37 (hg19) VCF-style: chr11-67815019-G-GT.
Other names: c.392dup, p.Lys132fs (NM_001351059.2); c.1286dup, p.Lys430fs (NM_001440552.1, NM_001440553.1, NM_001440554.1 and 2 more transcripts); c.1244dup, p.Lys416fs (NM_001440555.1, NM_001440556.1, NM_001440563.1); c.1073dup, p.Lys359fs (NM_001440559.1, NM_001440560.1, NM_001440561.1 and 3 more transcripts); c.1031dup, p.Lys345fs (NM_001440564.1); c.986dup, p.Lys330fs (NM_001440565.1); c.818dup, p.Lys274fs (NM_001440568.1); c.638dup, p.Lys214fs (NM_006053.4); and 1 more; short protein forms K132fs, K214fs, K274fs, K330fs, K345fs, K359fs, K416fs, K430fs.
Identifiers: ClinVar variation 5012235 (VCV005012235.1).